The following is an entry in ClinVar:

ClinVar aggregate classification (germline): Uncertain significance (1 of 4 stars; one submission).

Allele frequency attached by ClinVar (database versions not stated): gnomAD 0.00001.

Submission:

Labcorp Genetics (formerly Invitae), Labcorp
Classification: Uncertain significance. Last evaluated: 2023-11-15. Review status: criteria provided, single submitter. Criteria: Invitae Variant Classification Sherloc (09022015). Collection method: clinical testing. Allele origin: germline.
Comment: This sequence change replaces alanine, which is neutral and non-polar, with serine, which is neutral and polar, at codon 121 of the MNX1 protein (p.Ala121Ser). The frequency data for this variant in the population databases is considered unreliable, as metrics indicate insufficient coverage at this position in the gnomAD database. This variant has not been reported in the literature in individuals affected with MNX1-related conditions. Advanced modeling of protein sequence and biophysical properties (such as structural, functional, and spatial information, amino acid conservation, physicochemical variation, residue mobility, and thermodynamic stability) performed at Invitae indicates that this missense variant is not expected to disrupt MNX1 protein function with a negative predictive value of 80%. In summary, the available evidence is currently insufficient to determine the role of this variant in disease. Therefore, it has been classified as a Variant of Uncertain Significance.

NM_005515.4(MNX1):c.361G>T (p.Ala121Ser)

Gene: MNX1 (motor neuron and pancreas homeobox 1; minus strand). Cytogenetic location: 7q36.3.
Variant type: single nucleotide variant.
Coding change: c.361G>T on transcript NM_005515.4 (MANE Select); coding-DNA position 361, G replaced by T.
Protein change: p.Ala121Ser; replaces alanine 121 with serine.
Molecular consequence: missense variant.
Genome position (GRCh38, 1-based): chr7:157,009,990, C>A on the plus strand (G>T on the coding strand, the complement: MNX1 is on the minus strand). VCF-style: chr7-157009990-C-A. GRCh37 (hg19) VCF-style: chr7-156802684-C-A.
Other names: short protein forms A121S.
Identifiers: ClinVar variation 2696186 (VCV002696186.3), dbSNP rs1805682049, ClinGen allele CA370164709.
Genomic context (GRCh38, chr7:157,009,990, plus strand): 5'-GCCCCAGCGCCAGGCCCCCAGCGGCGGCGGCGGCGGCGGCGGCGGCGGCAGCGGCCGCTG[C>A]GCCCGGATGCGCGTGGTGGTGGGGCCCCCCGTGCCCGCCGCCCGTGCCGCCGCCGCCGCC-3'
Protein context (NP_005506.3, residues 111-131): GGPHHHAHPG[Ala121Ser]AAAAAAAAAA